The following is an entry in ClinVar:

NM_025179.4(PLXNA2):c.5251G>A (p.Val1751Met)

Gene: PLXNA2 (plexin A2; minus strand). Cytogenetic location: 1q32.2.
Variant type: single nucleotide variant.
Coding change: c.5251G>A on transcript NM_025179.4 (MANE Select); coding-DNA position 5251, G replaced by A.
Protein change: p.Val1751Met; replaces valine 1751 with methionine.
Molecular consequence: missense variant.
Genome position (GRCh38, 1-based): chr1:208,029,017, C>T on the plus strand (G>A on the coding strand, the complement: PLXNA2 is on the minus strand). VCF-style: chr1-208029017-C-T. GRCh37 (hg19) VCF-style: chr1-208202362-C-T.
Other names: c.5251G>A (NM_025179.3); short protein forms V1751M.
Identifiers: ClinVar variation 1355413 (VCV001355413.10), dbSNP rs142549025, ClinGen allele CA1372598.

ClinVar aggregate classification (germline): Uncertain significance. Review status: criteria provided, single submitter (1 of 4 stars). 2 submissions from 2 submitters: Uncertain significance (1). 1 of the submissions does not count toward it. Last evaluated 2025-11-07.

Conditions:
PLXNA2-related disorder. Also called: PLXNA2-related condition.

Allele frequency attached by ClinVar (database versions not stated): ExAC 0.00004; ESP Exome Variant Server 0.00008; TOPMed 0.00009.
gnomAD v4.1: 197 of 1,613,948 alleles (0.012%); highest among the groups gnomAD compares: Middle Eastern, 0.016%; no homozygotes.

Submissions (2):

Labcorp Genetics (formerly Invitae), Labcorp
Classification: Uncertain significance. Last evaluated: 2025-11-07. Review status: criteria provided, single submitter. Criteria: Invitae Variant Classification Sherloc (09022015). Collection method: clinical testing. Allele origin: germline.
Comment: This sequence change replaces valine, which is neutral and non-polar, with methionine, which is neutral and non-polar, at codon 1751 of the PLXNA2 protein (p.Val1751Met). This variant is present in population databases (rs142549025, gnomAD 0.01%). This variant has not been reported in the literature in individuals affected with PLXNA2-related conditions. ClinVar contains an entry for this variant (Variation ID: 1355413). Invitae Evidence Modeling of protein sequence and biophysical properties (such as structural, functional, and spatial information, amino acid conservation, physicochemical variation, residue mobility, and thermodynamic stability) indicates that this missense variant is not expected to disrupt PLXNA2 protein function with a negative predictive value of 80%. In summary, the available evidence is currently insufficient to determine the role of this variant in disease. Therefore, it has been classified as a Variant of Uncertain Significance.

PreventionGenetics, part of Exact Sciences
Classification: Uncertain significance for PLXNA2-related condition. Last evaluated: 2024-01-15. Review status: no assertion criteria provided. Collection method: clinical testing. Allele origin: germline. Not counted in ClinVar's aggregate classification.
Comment: The PLXNA2 c.5251G>A variant is predicted to result in the amino acid substitution p.Val1751Met. To our knowledge, this variant has not been reported in the literature. This variant is reported in 0.014% of alleles in individuals of European (Non-Finnish) descent in gnomAD. At this time, the clinical significance of this variant is uncertain due to the absence of conclusive functional and genetic evidence.